The following is an entry in ClinVar:

NM_024844.5(NUP85):c.405+6G>T

Gene: NUP85 (nucleoporin 85; plus strand). Cytogenetic location: 17q25.1.
Variant type: single nucleotide variant.
Coding change: c.405+6G>T on transcript NM_024844.5 (MANE Select); 6 bases into the intron after coding-DNA position 405, G replaced by T.
Molecular consequence: intron variant.
Genome position (GRCh38, 1-based): chr17:75,213,125, G>T. VCF-style: chr17-75213125-G-T. GRCh37 (hg19) VCF-style: chr17-73209220-G-T.
Other names: p.?; c.405+6G>T (NM_001330472.2, NM_024844.4); c.267+6G>T (NM_001303276.2).
Identifiers: ClinVar variation 1644913 (VCV001644913.12), dbSNP rs61751840, ClinGen allele CA8758476.

ClinVar aggregate classification (germline): Benign/Likely benign. Review status: criteria provided, multiple submitters, no conflicts (2 of 4 stars). 5 submissions from 5 submitters: Benign (4); Likely benign (1). Last evaluated 2026-01-30.

Conditions:
NUP85-related disorder. Also called: NUP85-related condition.

Allele frequency attached by ClinVar (database versions not stated): 1000 Genomes Project 0.01218; gnomAD 0.02925 and 0.02980; gnomAD exomes 0.03060; ExAC 0.03184; 1000 Genomes Project 30x 0.01312; TOPMed 0.02627; ESP Exome Variant Server 0.02876.
gnomAD v4.1: 61,396 of 1,612,910 alleles (3.8%); highest among the groups gnomAD compares: Non-Finnish European, 4.4%; 1,395 homozygotes.

Submissions (5):

Labcorp Genetics (formerly Invitae), Labcorp
Classification: Benign. Last evaluated: 2026-01-30. Review status: criteria provided, single submitter. Criteria: Invitae Variant Classification Sherloc (09022015). Collection method: clinical testing. Allele origin: germline.

PreventionGenetics, part of Exact Sciences
Classification: Benign for NUP85-related condition. Last evaluated: 2025-09-13. Review status: criteria provided, single submitter. Criteria: ACMG Guidelines, 2015. Collection method: clinical testing. Allele origin: germline.
Comment: This variant is classified as benign based on ACMG/AMP sequence variant interpretation guidelines (Richards et al. 2015 PMID: 25741868, with internal and published modifications).

Blueprint Genetics
Classification: Likely benign. Last evaluated: 2024-11-27. Review status: criteria provided, single submitter. Criteria: ACMG Guidelines, 2015. Collection method: clinical testing. Allele origin: germline.

Mayo Clinic Laboratories, Mayo Clinic
Classification: Benign. Last evaluated: 2023-01-09. Review status: criteria provided, single submitter. Criteria: ACMG Guidelines, 2015. Collection method: clinical testing. Allele origin: germline. Observed: 7 variant alleles.

Breakthrough Genomics
Classification: Benign. Review status: criteria provided, single submitter. Criteria: ACMG Guidelines, 2015. Collection method: not provided. Allele origin: germline. Inheritance: Autosomal recessive inheritance. Affected: yes.